The following is an entry in ClinVar:

NM_032578.4(MYPN):c.3622G>A (p.Asp1208Asn)

Gene: MYPN (myopalladin; plus strand). Cytogenetic location: 10q21.3.
Variant type: single nucleotide variant.
Coding change: c.3622G>A on transcript NM_032578.4 (MANE Select); coding-DNA position 3622, G replaced by A.
Protein change: p.Asp1208Asn; replaces aspartic acid 1208 with asparagine.
Molecular consequence: missense variant. On other transcripts: non-coding transcript variant (2).
Genome position (GRCh38, 1-based): chr10:68,201,957, G>A. VCF-style: chr10-68201957-G-A. GRCh37 (hg19) VCF-style: chr10-69961714-G-A.
Other names: c.3622G>A, p.Asp1208Asn (NM_001256267.2); c.2740G>A, p.Asp914Asn (NM_001256268.2); short protein forms D1208N, D914N.
Identifiers: ClinVar variation 1060172 (VCV001060172.10), dbSNP rs777918680, ClinGen allele CA5523102.

ClinVar aggregate classification (germline): Uncertain significance. Review status: criteria provided, multiple submitters, no conflicts (2 of 4 stars). 2 submissions from 2 submitters: Uncertain significance (2). Last evaluated 2020-05-28.

Conditions:
Dilated cardiomyopathy 1KK (CMD1KK). Identifiers: Orphanet 154, Orphanet 75249, MedGen C3714995, MONDO:0014100, OMIM 615248.

Allele frequency attached by ClinVar (database versions not stated): gnomAD exomes below 0.00001 and 0.00001; TOPMed below 0.00001; ExAC 0.00001; gnomAD 0.00001.
gnomAD v4.1: 11 of 1,613,952 alleles (0.00068%); highest among the groups gnomAD compares: Admixed American, 0.0017%; no homozygotes.

Submissions (2):

Labcorp Genetics (formerly Invitae), Labcorp
Classification: Uncertain significance for Dilated cardiomyopathy 1KK. Last evaluated: 2020-05-28. Review status: criteria provided, single submitter. Criteria: Invitae Variant Classification Sherloc (09022015). Collection method: clinical testing. Allele origin: germline.
Comment: In summary, the available evidence is currently insufficient to determine the role of this variant in disease. Therefore, it has been classified as a Variant of Uncertain Significance. Algorithms developed to predict the effect of missense changes on protein structure and function are either unavailable or do not agree on the potential impact of this missense change (SIFT: "Deleterious"; PolyPhen-2: "Probably Damaging"; Align-GVGD: "Class C0"). This variant has not been reported in the literature in individuals with MYPN-related conditions. The frequency data for this variant in the population databases is considered unreliable, as metrics indicate poor data quality at this position in the ExAC database. This sequence change replaces aspartic acid with asparagine at codon 1208 of the MYPN protein (p.Asp1208Asn). The aspartic acid residue is highly conserved and there is a small physicochemical difference between aspartic acid and asparagine.

Blueprint Genetics
Classification: Uncertain significance. Last evaluated: 2018-08-14. Review status: criteria provided, single submitter. Criteria: ACMG Guidelines, 2015. Collection method: clinical testing. Allele origin: germline.